The following is an entry in ClinVar:

NM_001005738.2(FPR2):c.220T>C (p.Phe74Leu)

Gene: FPR2 (formyl peptide receptor 2; plus strand). Cytogenetic location: 19q13.41.
Variant type: single nucleotide variant.
Coding change: c.220T>C on transcript NM_001005738.2 (MANE Select); coding-DNA position 220, T replaced by C.
Protein change: p.Phe74Leu; replaces phenylalanine 74 with leucine.
Molecular consequence: missense variant.
Genome position (GRCh38, 1-based): chr19:51,768,878, T>C. VCF-style: chr19-51768878-T-C. GRCh37 (hg19) VCF-style: chr19-52272131-T-C.
Other names: c.220T>C, p.Phe74Leu (NM_001462.3); short protein forms F74L.
Identifiers: ClinVar variation 781747 (VCV000781747.28), dbSNP rs74602258, ClinGen allele CA9616600.

ClinVar aggregate classification (germline): Benign/Likely benign. Review status: criteria provided, multiple submitters, no conflicts (2 of 4 stars). 3 submissions from 3 submitters: Benign (2); Likely benign (1). Last evaluated 2024-09-01.

Allele frequency attached by ClinVar (database versions not stated): 1000 Genomes Project 30x 0.00265; 1000 Genomes Project 0.00319; TOPMed 0.00330; ESP Exome Variant Server 0.00431; gnomAD 0.00443 and 0.00451; gnomAD exomes 0.00468 and 0.00610; ExAC 0.00474.
gnomAD v4.1: 9,526 of 1,614,192 alleles (0.59%); highest among the groups gnomAD compares: Non-Finnish European, 0.68%; 35 homozygotes.

Submissions (3):

CeGaT Center for Human Genetics Tuebingen
Classification: Likely benign. Last evaluated: 2024-09-01. Review status: criteria provided, single submitter. Criteria: CeGaT Center For Human Genetics Tuebingen Variant Classification Criteria Version 2. Collection method: clinical testing. Allele origin: germline. Affected: yes. Observed: 2 variant alleles.
Comment: FPR2: BS2

Labcorp Genetics (formerly Invitae), Labcorp
Classification: Benign. Last evaluated: 2019-12-31. Review status: criteria provided, single submitter. Criteria: Invitae Variant Classification Sherloc (09022015). Collection method: clinical testing. Allele origin: germline.

Breakthrough Genomics
Classification: Benign. Review status: criteria provided, single submitter. Criteria: ACMG Guidelines, 2015. Collection method: not provided. Allele origin: germline. Inheritance: Unknown mechanism. Affected: yes.